The following is an entry in ClinVar:

NM_001330700.2(TOP2B):c.4706G>C (p.Ser1569Thr)

Gene: TOP2B (DNA topoisomerase II beta; minus strand). Cytogenetic location: 3p24.2.
Variant type: single nucleotide variant.
Coding change: c.4706G>C on transcript NM_001330700.2 (MANE Select); coding-DNA position 4706, G replaced by C.
Protein change: p.Ser1569Thr; replaces serine 1569 with threonine.
Molecular consequence: missense variant.
Genome position (GRCh38, 1-based): chr3:25,599,439, C>G on the plus strand (G>C on the coding strand, the complement: TOP2B is on the minus strand). VCF-style: chr3-25599439-C-G. GRCh37 (hg19) VCF-style: chr3-25640930-C-G.
Other names: c.4691G>C, p.Ser1564Thr (NM_001068.3); short protein forms S1569T, S1564T.
Identifiers: ClinVar variation 2757343 (VCV002757343.3), dbSNP rs760424687, ClinGen allele CA351890232.

ClinVar aggregate classification (germline): Uncertain significance (1 of 4 stars; one submission).

Submission:

Labcorp Genetics (formerly Invitae), Labcorp
Classification: Uncertain significance. Last evaluated: 2024-04-22. Review status: criteria provided, single submitter. Criteria: Invitae Variant Classification Sherloc (09022015). Collection method: clinical testing. Allele origin: germline.
Comment: This sequence change replaces serine, which is neutral and polar, with threonine, which is neutral and polar, at codon 1564 of the TOP2B protein (p.Ser1564Thr). This variant is not present in population databases (gnomAD no frequency). This variant has not been reported in the literature in individuals affected with TOP2B-related conditions. An algorithm developed to predict the effect of missense changes on protein structure and function (PolyPhen-2) suggests that this variant is likely to be tolerated. In summary, the available evidence is currently insufficient to determine the role of this variant in disease. Therefore, it has been classified as a Variant of Uncertain Significance.